The following is an entry in ClinVar:

NM_152384.3(BBS5):c.32G>A (p.Arg11Gln)

Genes: BBS5 (Bardet-Biedl syndrome 5; plus strand), LOC129935068 (ATAC-STARR-seq lymphoblastoid active region 16738; plus strand). Cytogenetic location: 2q31.1.
Variant type: single nucleotide variant.
Coding change: c.32G>A on transcript NM_152384.3 (MANE Select); coding-DNA position 32, G replaced by A.
Protein change: p.Arg11Gln; replaces arginine 11 with glutamine.
Molecular consequence: missense variant.
Genome position (GRCh38, 1-based): chr2:169,479,585, G>A. VCF-style: chr2-169479585-G-A. GRCh37 (hg19) VCF-style: chr2-170336095-G-A.
Other names: short protein forms R11Q.
Identifiers: ClinVar variation 846352 (VCV000846352.17), dbSNP rs150931960, ClinGen allele CA1956075.

ClinVar aggregate classification (germline): Uncertain significance. Review status: criteria provided, multiple submitters, no conflicts (2 of 4 stars). 7 submissions from 7 submitters: Uncertain significance (7). Last evaluated 2025-04-22.

Conditions:
Inborn genetic diseases. Identifiers: MedGen C0950123, MeSH D030342.
Bardet-Biedl syndrome 5 (BBS5). Identifiers: Orphanet 110, MedGen C3892039, MONDO:0014434, OMIM 615983.
Bardet-Biedl syndrome (BBS). Identifiers: Orphanet 110, MedGen C0752166, MONDO:0015229.
BBS5-related disorder. Also called: BBS5-related condition.

Allele frequency attached by ClinVar (database versions not stated): gnomAD exomes 0.00016 and 0.00033; ExAC 0.00017; TOPMed 0.00019; gnomAD 0.00024; ESP Exome Variant Server 0.00046.
gnomAD v4.1: 541 of 1,614,060 alleles (0.034%); highest among the groups gnomAD compares: Middle Eastern, 0.049%; 3 homozygotes.

Submissions (7):

PreventionGenetics, part of Exact Sciences
Classification: Uncertain significance for BBS5-related condition. Last evaluated: 2025-04-22. Review status: criteria provided, single submitter. Criteria: ACMG Guidelines, 2015. Collection method: clinical testing. Allele origin: germline.
Comment: The BBS5 c.32G>A variant is predicted to result in the amino acid substitution p.Arg11Gln. This variant has been observed in an individual with ventricular tachycardia but did not segregate with disease (Supplementary Table 7, Golbus et al. 2014. PubMed ID: 25179549). This variant is reported in 0.026% of alleles in individuals of European (Non-Finnish) descent in gnomAD. At this time, the clinical significance of this variant is uncertain due to the absence of conclusive functional and genetic evidence.

Blueprint Genetics
Classification: Uncertain significance. Last evaluated: 2024-10-09. Review status: criteria provided, single submitter. Criteria: ACMG Guidelines, 2015. Collection method: clinical testing. Allele origin: germline.

Labcorp Genetics (formerly Invitae), Labcorp
Classification: Uncertain significance for Bardet-Biedl syndrome. Last evaluated: 2022-10-25. Review status: criteria provided, single submitter. Criteria: Invitae Variant Classification Sherloc (09022015). Collection method: clinical testing. Allele origin: germline.
Comment: This sequence change replaces arginine, which is basic and polar, with glutamine, which is neutral and polar, at codon 11 of the BBS5 protein (p.Arg11Gln). This variant is present in population databases (rs150931960, gnomAD 0.03%). This variant has not been reported in the literature in individuals affected with BBS5-related conditions. ClinVar contains an entry for this variant (Variation ID: 846352). Advanced modeling of protein sequence and biophysical properties (such as structural, functional, and spatial information, amino acid conservation, physicochemical variation, residue mobility, and thermodynamic stability) has been performed at Invitae for this missense variant, however the output from this modeling did not meet the statistical confidence thresholds required to predict the impact of this variant on BBS5 protein function. In summary, the available evidence is currently insufficient to determine the role of this variant in disease. Therefore, it has been classified as a Variant of Uncertain Significance.

Ambry Genetics
Classification: Uncertain significance for Inborn genetic diseases. Last evaluated: 2022-07-08. Review status: criteria provided, single submitter. Criteria: Ambry Variant Classification Scheme 2023. Collection method: clinical testing. Allele origin: germline.

Fulgent Genetics
Classification: Uncertain significance for Bardet-Biedl syndrome 5. Last evaluated: 2022-03-28. Review status: criteria provided, single submitter. Criteria: ACMG Guidelines, 2015. Collection method: clinical testing. Allele origin: unknown.

GeneDx
Classification: Uncertain significance. Last evaluated: 2019-12-24. Review status: criteria provided, single submitter. Criteria: GeneDx Variant Classification Process June 2021. Collection method: clinical testing. Allele origin: germline. Affected: yes.
Comment: In silico analysis, which includes protein predictors and evolutionary conservation, supports a deleterious effect; Has not been previously published as pathogenic or benign to our knowledge

Genetic Services Laboratory, University of Chicago
Classification: Uncertain significance. Last evaluated: 2017-10-26. Review status: criteria provided, single submitter. Criteria: ACMG Guidelines, 2015. Collection method: clinical testing. Allele origin: germline. Affected: no.